The following is an entry in ClinVar:

ClinVar aggregate classification (germline): Uncertain significance. Review status: criteria provided, multiple submitters, no conflicts (2 of 4 stars). 2 submissions from 2 submitters: Uncertain significance (2). Last evaluated 2025-06-29.

Conditions:
Severe combined immunodeficiency due to DNA-PKcs deficiency. Also called: IMMUNODEFICIENCY 26 WITH NEUROLOGIC ABNORMALITIES; Immunodeficiency 26 with or without neurologic abnormalities. Identifiers: Orphanet 317425, MedGen C4014833, MONDO:0014423, OMIM 615966.

Allele frequency attached by ClinVar (database versions not stated): gnomAD 0.00001.
gnomAD v4.1: 1 of 1,613,492 alleles (0.000062%); highest among the groups gnomAD compares: Admixed American, 0.0017%; no homozygotes.

Submissions (2):

Ambry Genetics
Classification: Uncertain significance. Last evaluated: 2025-06-29. Review status: criteria provided, single submitter. Criteria: Ambry Variant Classification Scheme 2023. Collection method: clinical testing. Allele origin: germline.

Labcorp Genetics (formerly Invitae), Labcorp
Classification: Uncertain significance for Severe combined immunodeficiency due to DNA-PKcs deficiency. Last evaluated: 2022-02-02. Review status: criteria provided, single submitter. Criteria: Invitae Variant Classification Sherloc (09022015). Collection method: clinical testing. Allele origin: germline.
Comment: This variant has not been reported in the literature in individuals affected with PRKDC-related conditions. This variant is present in population databases (no rsID available, gnomAD 0.1%). This sequence change replaces leucine, which is neutral and non-polar, with methionine, which is neutral and non-polar, at codon 224 of the PRKDC protein (p.Leu224Met). Experimental studies and prediction algorithms are not available or were not evaluated, and the functional significance of this variant is currently unknown. In summary, the available evidence is currently insufficient to determine the role of this variant in disease. Therefore, it has been classified as a Variant of Uncertain Significance.

NM_006904.7(PRKDC):c.670C>A (p.Leu224Met)

Gene: PRKDC (protein kinase, DNA-activated, catalytic subunit; minus strand). Cytogenetic location: 8q11.21.
Variant type: single nucleotide variant.
Coding change: c.670C>A on transcript NM_006904.7 (MANE Select); coding-DNA position 670, C replaced by A.
Protein change: p.Leu224Met; replaces leucine 224 with methionine.
Molecular consequence: missense variant.
Genome position (GRCh38, 1-based): chr8:47,953,671, G>T on the plus strand (C>A on the coding strand, the complement: PRKDC is on the minus strand). VCF-style: chr8-47953671-G-T. GRCh37 (hg19) VCF-style: chr8-48866231-G-T.
Other names: c.670C>A, p.Leu224Met (NM_001081640.2); short protein forms L224M.
Identifiers: ClinVar variation 1928456 (VCV001928456.6), dbSNP rs1468655389, ClinGen allele CA371138393.